The following is an entry in ClinVar:

ClinVar aggregate classification (germline): Uncertain significance (1 of 4 stars; one submission).

Conditions:
Warts, hypogammaglobulinemia, infections, and myelokathexis. Also called: WHIM syndrome. Identifiers: MedGen C0472817, MONDO:0023880.

Submission:

Labcorp Genetics (formerly Invitae), Labcorp
Classification: Uncertain significance for Warts, hypogammaglobulinemia, infections, and myelokathexis. Last evaluated: 2025-07-16. Review status: criteria provided, single submitter. Criteria: Invitae Variant Classification Sherloc (09022015). Collection method: clinical testing. Allele origin: germline.
Comment: This sequence change creates a premature translational stop signal (p.Trp102*) in the CXCR4 gene. While this is not anticipated to result in nonsense mediated decay, it is expected to disrupt the last 251 amino acid(s) of the CXCR4 protein. This variant is not present in population databases (gnomAD no frequency). This variant has not been reported in the literature in individuals affected with CXCR4-related conditions. ClinVar contains an entry for this variant (Variation ID: 2765139). Experimental studies and prediction algorithms are not available or were not evaluated, and the functional significance of this variant is currently unknown. In summary, the available evidence is currently insufficient to determine the role of this variant in disease. Therefore, it has been classified as a Variant of Uncertain Significance.

NM_003467.3(CXCR4):c.305G>A (p.Trp102Ter)

Gene: CXCR4 (C-X-C motif chemokine receptor 4; minus strand). Cytogenetic location: 2q22.1.
Variant type: single nucleotide variant.
Coding change: c.305G>A on transcript NM_003467.3 (MANE Select); coding-DNA position 305, G replaced by A.
Protein change: p.Trp102Ter; replaces tryptophan 102 with a stop codon.
Molecular consequence: nonsense.
Genome position (GRCh38, 1-based): chr2:136,115,623, C>T on the plus strand (G>A on the coding strand, the complement: CXCR4 is on the minus strand). VCF-style: chr2-136115623-C-T. GRCh37 (hg19) VCF-style: chr2-136873193-C-T.
Other names: c.317G>A, p.Trp106Ter (NM_001008540.2); c.518G>A, p.Trp173Ter (NM_001348056.2); c.404G>A, p.Trp135Ter (NM_001348059.2); c.260G>A, p.Trp87Ter (NM_001348060.2); short protein forms W102*, W87*, W135*, W173*, W106*.
Identifiers: ClinVar variation 2765139 (VCV002765139.3), dbSNP rs2467266044, ClinGen allele CA348659682.